The following is an entry in ClinVar:

NM_024642.5(GALNT12):c.1097C>T (p.Pro366Leu)

Gene: GALNT12 (polypeptide N-acetylgalactosaminyltransferase 12; plus strand). Cytogenetic location: 9q22.33.
Variant type: single nucleotide variant.
Coding change: c.1097C>T on transcript NM_024642.5 (MANE Select); coding-DNA position 1097, C replaced by T.
Protein change: p.Pro366Leu; replaces proline 366 with leucine.
Molecular consequence: missense variant.
Genome position (GRCh38, 1-based): chr9:98,837,033, C>T. VCF-style: chr9-98837033-C-T. GRCh37 (hg19) VCF-style: chr9-101599315-C-T.
Other names: short protein forms P366L.
Identifiers: ClinVar variation 1790966 (VCV001790966.6), dbSNP rs2118450969, ClinGen allele CA374219788.

ClinVar aggregate classification (germline): Uncertain significance. Review status: criteria provided, multiple submitters, no conflicts (2 of 4 stars). 2 submissions from 2 submitters: Uncertain significance (2). Last evaluated 2024-06-16.

Allele frequency attached by ClinVar (database versions not stated): gnomAD exomes below 0.00001.
gnomAD v4.1: 1 of 1,614,140 alleles (0.000062%); highest among the groups gnomAD compares: Non-Finnish European, 0.000085%; no homozygotes.

Submissions (2):

Labcorp Genetics (formerly Invitae), Labcorp
Classification: Uncertain significance. Last evaluated: 2024-06-16. Review status: criteria provided, single submitter. Criteria: Invitae Variant Classification Sherloc (09022015). Collection method: clinical testing. Allele origin: germline.
Comment: This sequence change replaces proline, which is neutral and non-polar, with leucine, which is neutral and non-polar, at codon 366 of the GALNT12 protein (p.Pro366Leu). This variant is not present in population databases (gnomAD no frequency). This variant has not been reported in the literature in individuals affected with GALNT12-related conditions. ClinVar contains an entry for this variant (Variation ID: 1790966). Advanced modeling of protein sequence and biophysical properties (such as structural, functional, and spatial information, amino acid conservation, physicochemical variation, residue mobility, and thermodynamic stability) performed at Invitae indicates that this missense variant is not expected to disrupt GALNT12 protein function with a negative predictive value of 80%. In summary, the available evidence is currently insufficient to determine the role of this variant in disease. Therefore, it has been classified as a Variant of Uncertain Significance.

Ambry Genetics
Classification: Uncertain significance. Last evaluated: 2024-06-14. Review status: criteria provided, single submitter. Criteria: Ambry Variant Classification Scheme 2023. Collection method: clinical testing. Allele origin: germline.
Comment: The p.P366L variant (also known as c.1097C>T), located in coding exon 6 of the GALNT12 gene, results from a C to T substitution at nucleotide position 1097. The proline at codon 366 is replaced by leucine, an amino acid with similar properties. This amino acid position is conserved. In addition, this alteration is predicted to be deleterious by in silico analysis. Since supporting evidence is limited at this time, the clinical significance of this alteration remains unclear.